The following is an entry in ClinVar:

ClinVar aggregate classification (germline): Uncertain significance (1 of 4 stars; one submission).

Conditions:
Developmental and epileptic encephalopathy. Identifiers: MedGen C5779964, MONDO:0100620.

Allele frequency attached by ClinVar (database versions not stated): TOPMed 0.00002.

Submission:

Labcorp Genetics (formerly Invitae), Labcorp
Classification: Uncertain significance for Early-infantile DEE. Last evaluated: 2023-11-06. Review status: criteria provided, single submitter. Criteria: Invitae Variant Classification Sherloc (09022015). Collection method: clinical testing. Allele origin: germline.
Comment: This sequence change replaces glutamine, which is neutral and polar, with arginine, which is basic and polar, at codon 322 of the SLC25A22 protein (p.Gln322Arg). This variant is present in population databases (no rsID available, gnomAD 0.01%). This variant has not been reported in the literature in individuals affected with SLC25A22-related conditions. ClinVar contains an entry for this variant (Variation ID: 1350551). Algorithms developed to predict the effect of missense changes on protein structure and function output the following: SIFT: "Not Available"; PolyPhen-2: "Benign"; Align-GVGD: "Not Available". The arginine amino acid residue is found in multiple mammalian species, which suggests that this missense change does not adversely affect protein function. In summary, the available evidence is currently insufficient to determine the role of this variant in disease. Therefore, it has been classified as a Variant of Uncertain Significance.

NM_001191061.2(SLC25A22):c.965A>G (p.Gln322Arg)

Gene: SLC25A22 (solute carrier family 25 member 22; minus strand). Cytogenetic location: 11p15.5.
Variant type: single nucleotide variant.
Coding change: c.965A>G on transcript NM_001191061.2 (MANE Select); coding-DNA position 965, A replaced by G.
Protein change: p.Gln322Arg; replaces glutamine 322 with arginine.
Molecular consequence: missense variant.
Genome position (GRCh38, 1-based): chr11:791,922, T>C on the plus strand (A>G on the coding strand, the complement: SLC25A22 is on the minus strand). VCF-style: chr11-791922-T-C. GRCh37 (hg19) VCF-style: chr11-791922-T-C.
Other names: c.965A>G, p.Gln322Arg (NM_001191060.2, NM_024698.6); short protein forms Q322R.
Identifiers: ClinVar variation 1350551 (VCV001350551.7), dbSNP rs1357296463, ClinGen allele CA378965975.